The following is an entry in ClinVar:

NM_005334.3(HCFC1):c.5300T>G (p.Val1767Gly)

Gene: HCFC1 (host cell factor C1; minus strand). Cytogenetic location: Xq28.
Variant type: single nucleotide variant.
Coding change: c.5300T>G on transcript NM_005334.3 (MANE Select); coding-DNA position 5300, T replaced by G.
Protein change: p.Val1767Gly; replaces valine 1767 with glycine.
Molecular consequence: missense variant.
Genome position (GRCh38, 1-based): chrX:153,951,668, A>C on the plus strand (T>G on the coding strand, the complement: HCFC1 is on the minus strand). VCF-style: chrX-153951668-A-C. GRCh37 (hg19) VCF-style: chrX-153217119-A-C.
Other names: short protein forms V1767G.
Identifiers: ClinVar variation 521443 (VCV000521443.10), dbSNP rs1360396448, ClinGen allele CA415105372.
Genomic context (GRCh38, chrX:153,951,668, plus strand): 5'-CCATTGGCCACTTCGGTCAGGGTAGCTGCAGCCTGCAGCTTGGCTGGGCTGGCCACCACA[A>C]CCGGCTGGGGGGCCACAAATGTGTTGGATGGAGCCAGGCCTAGGAAGAAAGAAGGTGTCA-3'
Protein context (NP_005325.2, residues 1757-1777): PSNTFVAPQP[Val1767Gly]VVASPAKLQA

ClinVar aggregate classification (germline): Uncertain significance. Review status: criteria provided, multiple submitters, no conflicts (2 of 4 stars). 2 submissions from 2 submitters: Uncertain significance (2). Last evaluated 2025-09-18.

Conditions:
Inborn genetic diseases. Identifiers: MedGen C0950123, MeSH D030342.
Methylmalonic acidemia with homocystinuria, type cblX (MAHCX). Also called: INTELLECTUAL DEVELOPMENTAL DISORDER, X-LINKED 3. Identifiers: Orphanet 369962, MedGen C0796208, MONDO:0010657, OMIM 309541.

Allele frequency attached by ClinVar (database versions not stated): gnomAD 0.00001; gnomAD exomes 0.00001; TOPMed 0.00001.
gnomAD v4.1: 10 of 1,209,059 alleles (0.00083%); highest among the groups gnomAD compares: Middle Eastern, 0.023%; no homozygotes.

Submissions (2):

Labcorp Genetics (formerly Invitae), Labcorp
Classification: Uncertain significance for Methylmalonic acidemia with homocystinuria, type cblX. Last evaluated: 2025-09-18. Review status: criteria provided, single submitter. Criteria: Invitae Variant Classification Sherloc (09022015). Collection method: clinical testing. Allele origin: germline.
Comment: This sequence change replaces valine, which is neutral and non-polar, with glycine, which is neutral and non-polar, at codon 1767 of the HCFC1 protein (p.Val1767Gly). This variant is present in population databases (no rsID available, gnomAD 0.03%). This variant has not been reported in the literature in individuals affected with HCFC1-related conditions. ClinVar contains an entry for this variant (Variation ID: 521443). An algorithm developed to predict the effect of missense changes on protein structure and function (PolyPhen-2) suggests that this variant is likely to be disruptive. In summary, the available evidence is currently insufficient to determine the role of this variant in disease. Therefore, it has been classified as a Variant of Uncertain Significance.

Ambry Genetics
Classification: Uncertain significance for Inborn genetic diseases. Last evaluated: 2016-12-01. Review status: criteria provided, single submitter. Criteria: Ambry exome assertion method (8-5-2015). Collection method: clinical testing. Allele origin: germline. Affected: yes. Observed: 1 variant allele.